The following is an entry in ClinVar:

NM_006206.6(PDGFRA):c.-5_1del (p.Met1del)

Gene: PDGFRA (platelet derived growth factor receptor alpha; plus strand). Cytogenetic location: 4q12.
Variant type: Deletion.
Coding change: c.-5_1del on transcript NM_006206.6 (MANE Select); 5 bases upstream of the start codon through coding-DNA position 1, 6 bases deleted (GAGCTA; older notation c.-5_1delGAGCTA).
Protein change: p.Met1del; deletes methionine 1.
Molecular consequence: inframe deletion, initiator codon variant.
Genome position (GRCh38, 1-based): chr4:54,258,764-54,258,769, GAGCTA deleted; deleting any 6 consecutive bases within chr4:54,258,763-54,258,769 gives the same sequence; the c. name uses the placement nearest the transcript's 3' end. VCF-style (leftmost placement, unchanged base first): chr4-54258762-CAGAGCT-C. GRCh37 (hg19) VCF-style: chr4-55124929-CAGAGCT-C.
Other names: c.-5_1del, p.Met1del (NM_001347827.2, NM_001347829.2); c.71_76del, p.Arg24_Ala25del (NM_001347828.2); c.35_40del, p.Arg12_Ala13del (NM_001347830.2); short protein forms M1del.
Identifiers: ClinVar variation 3887356 (VCV003887356.1).

ClinVar aggregate classification (germline): Uncertain significance (1 of 4 stars; one submission).

Conditions:
Hereditary cancer-predisposing syndrome. Also called: Tumor predisposition; Neoplastic Syndromes, Hereditary; Hereditary Cancer Syndrome; Hereditary neoplastic syndrome. Identifiers: Orphanet 140162, MedGen C0027672, MeSH D009386, MONDO:0015356.

Submission:

Ambry Genetics
Classification: Uncertain significance for Hereditary cancer-predisposing syndrome. Last evaluated: 2025-01-23. Review status: criteria provided, single submitter. Criteria: Ambry Variant Classification Scheme 2023. Collection method: clinical testing. Allele origin: germline.
Comment: The c.-5_1delGAGCTA variant (also known as p.M1M) begins 5 nucleotides before the initiation codon of the PDGFRA gene. This variant results from a deletion of six nucleotides at positions c.-5 to c.1 but does not alter the methionine residue at the initiation codon (ATG). This nucleotide region is conserved through primates. Based on the available evidence, the clinical significance of this variant remains unclear.